The following is an entry in ClinVar:

NM_000090.4(COL3A1):c.1762-3T>C

Gene: COL3A1 (collagen type III alpha 1 chain; plus strand). Cytogenetic location: 2q32.2.
Variant type: single nucleotide variant.
Coding change: c.1762-3T>C on transcript NM_000090.4 (MANE Select); 3 bases into the intron before coding-DNA position 1762, T replaced by C.
Molecular consequence: intron variant.
Genome position (GRCh38, 1-based): chr2:188,997,162, T>C. VCF-style: chr2-188997162-T-C. GRCh37 (hg19) VCF-style: chr2-189861888-T-C.
Identifiers: ClinVar variation 2884688 (VCV002884688.3), dbSNP rs2153502786, ClinGen allele CA2577185541.
Genomic context (GRCh38, chr2:188,997,162, plus strand): 5'-GACAATAATATGATTAGTTATTGCCCTTTGAGGATTAGTAAATACCGACCACTTCTTCTT[T>C]AGGGTGCTCCTGGTAAGAATGGAGAACGAGGTGGCCCTGGAGGACCTGGCCCTCAGGTAC-3'

ClinVar aggregate classification (germline): Uncertain significance (1 of 4 stars; one submission).

Conditions:
Ehlers-Danlos syndrome, type 4 (EDSVASC). Also called: Ehlers-Danlos syndrome vascular type; Ehlers Danlos syndrome, ecchymotic type; Ehlers Danlos syndrome, arterial type; Ehlers Danlos syndrome, Sack-Barabas type; Ehlers-Danlos Syndrome Type IV. Identifiers: Orphanet 286, MedGen C0268338, MONDO:0017314, OMIM 130050.

Submission:

Labcorp Genetics (formerly Invitae), Labcorp
Classification: Uncertain significance for Ehlers-Danlos syndrome, type 4. Last evaluated: 2023-06-11. Review status: criteria provided, single submitter. Criteria: Invitae Variant Classification Sherloc (09022015). Collection method: clinical testing. Allele origin: germline.
Comment: This variant is not present in population databases (gnomAD no frequency). In summary, the available evidence is currently insufficient to determine the role of this variant in disease. Therefore, it has been classified as a Variant of Uncertain Significance. Variants that disrupt the consensus splice site are a relatively common cause of aberrant splicing (PMID: 17576681, 9536098). Algorithms developed to predict the effect of sequence changes on RNA splicing suggest that this variant is not likely to affect RNA splicing. This variant has not been reported in the literature in individuals affected with COL3A1-related conditions. This sequence change falls in intron 24 of the COL3A1 gene. It does not directly change the encoded amino acid sequence of the COL3A1 protein. It affects a nucleotide within the consensus splice site.

Literature cited by the submitters: PubMed 17576681; PubMed 9536098.